The following is an entry in ClinVar:

NM_001401501.2(MUC16):c.8502T>C (p.Gly2834=)

Gene: MUC16 (mucin 16, cell surface associated; minus strand). Cytogenetic location: 19p13.2.
Variant type: single nucleotide variant.
Coding change: c.8502T>C on transcript NM_001401501.2 (MANE Select); coding-DNA position 8502, T replaced by C.
Protein change: p.Gly2834=; no amino-acid change (glycine 2834 retained).
Molecular consequence: synonymous variant.
Genome position (GRCh38, 1-based): chr19:8,972,757, A>G on the plus strand (T>C on the coding strand, the complement: MUC16 is on the minus strand). VCF-style: chr19-8972757-A-G. GRCh37 (hg19) VCF-style: chr19-9083433-A-G.
Other names: c.8928T>C, p.Gly2976= (NM_001414686.1); c.8382T>C, p.Gly2794= (NM_001414687.1, NM_024690.2).
Identifiers: ClinVar variation 3038632 (VCV003038632.2), dbSNP rs139334032, ClinGen allele CA9171976.

ClinVar aggregate classification (germline): Benign (0 of 4 stars; one submission).

Conditions:
MUC16-related disorder. Also called: MUC16-related condition.

Allele frequency attached by ClinVar (database versions not stated): 1000 Genomes Project 30x 0.00156; 1000 Genomes Project 0.00160; TOPMed 0.00559; gnomAD 0.00600; ExAC 0.00617; ESP Exome Variant Server 0.00625; gnomAD exomes 0.00825.

Submission:

PreventionGenetics, part of Exact Sciences
Classification: Benign for MUC16-related condition. Last evaluated: 2019-03-08. Review status: no assertion criteria provided. Collection method: clinical testing. Allele origin: germline.
Comment: This variant is classified as benign based on ACMG/AMP sequence variant interpretation guidelines (Richards et al. 2015 PMID: 25741868, with internal and published modifications).